The following is an entry in ClinVar:

NM_005689.4(ABCB6):c.80T>G (p.Phe27Cys)

Gene: ABCB6 (ATP binding cassette subfamily B member 6 (LAN blood group); minus strand). Cytogenetic location: 2q35.
Variant type: single nucleotide variant.
Coding change: c.80T>G on transcript NM_005689.4 (MANE Select); coding-DNA position 80, T replaced by G.
Protein change: p.Phe27Cys; replaces phenylalanine 27 with cysteine.
Molecular consequence: missense variant.
Genome position (GRCh38, 1-based): chr2:219,218,594, A>C on the plus strand (T>G on the coding strand, the complement: ABCB6 is on the minus strand). VCF-style: chr2-219218594-A-C. GRCh37 (hg19) VCF-style: chr2-220083316-A-C.
Other names: c.80T>G, p.Phe27Cys (NM_001349828.2); c.80T>G (NM_005689.2); short protein forms F27C.
Identifiers: ClinVar variation 2173907 (VCV002173907.8), dbSNP rs763255664, ClinGen allele CA2119833.

ClinVar aggregate classification (germline): Conflicting classifications of pathogenicity. Review status: criteria provided, conflicting classifications (1 of 4 stars). 3 submissions from 3 submitters: Uncertain significance (2); Likely benign (1). Last evaluated 2025-06-10.

Conditions:
Inborn genetic diseases. Identifiers: MedGen C0950123, MeSH D030342.

Allele frequency attached by ClinVar (database versions not stated): gnomAD exomes 0.00013; gnomAD 0.00015; TOPMed 0.00022; ExAC 0.00032.
gnomAD v4.1: 211 of 1,612,512 alleles (0.013%); highest among the groups gnomAD compares: Middle Eastern, 0.066%; no homozygotes.

Submissions (3):

Ambry Genetics
Classification: Uncertain significance for Inborn genetic diseases. Last evaluated: 2025-06-10. Review status: criteria provided, single submitter. Criteria: Ambry Variant Classification Scheme 2023. Collection method: clinical testing. Allele origin: germline.

Blueprint Genetics
Classification: Likely benign. Last evaluated: 2024-09-10. Review status: criteria provided, single submitter. Criteria: ACMG Guidelines, 2015. Collection method: clinical testing. Allele origin: germline.

Labcorp Genetics (formerly Invitae), Labcorp
Classification: Uncertain significance. Last evaluated: 2023-07-08. Review status: criteria provided, single submitter. Criteria: Invitae Variant Classification Sherloc (09022015). Collection method: clinical testing. Allele origin: germline.
Comment: This sequence change replaces phenylalanine, which is neutral and non-polar, with cysteine, which is neutral and slightly polar, at codon 27 of the ABCB6 protein (p.Phe27Cys). In summary, the available evidence is currently insufficient to determine the role of this variant in disease. Therefore, it has been classified as a Variant of Uncertain Significance. Algorithms developed to predict the effect of missense changes on protein structure and function output the following: SIFT: "Not Available"; PolyPhen-2: "Benign"; Align-GVGD: "Not Available". The cysteine amino acid residue is found in multiple mammalian species, which suggests that this missense change does not adversely affect protein function. ClinVar contains an entry for this variant (Variation ID: 2173907). This variant has not been reported in the literature in individuals affected with ABCB6-related conditions. This variant is present in population databases (rs763255664, gnomAD 0.04%).